The following is an entry in ClinVar:

NM_014444.5(TUBGCP4):c.160C>T (p.Arg54Cys)

Gene: TUBGCP4 (tubulin gamma complex component 4; plus strand). Cytogenetic location: 15q15.3.
Variant type: single nucleotide variant.
Coding change: c.160C>T on transcript NM_014444.5 (MANE Select); coding-DNA position 160, C replaced by T.
Protein change: p.Arg54Cys; replaces arginine 54 with cysteine.
Molecular consequence: missense variant.
Genome position (GRCh38, 1-based): chr15:43,376,179, C>T. VCF-style: chr15-43376179-C-T. GRCh37 (hg19) VCF-style: chr15-43668377-C-T.
Other names: c.160C>T, p.Arg54Cys (NM_001286414.3); short protein forms R54C.
Identifiers: ClinVar variation 1925893 (VCV001925893.5), dbSNP rs542122190, ClinGen allele CA7523670.

ClinVar aggregate classification (germline): Uncertain significance (1 of 4 stars; one submission).

Allele frequency attached by ClinVar (database versions not stated): TOPMed below 0.00001; gnomAD 0.00001; 1000 Genomes Project 0.00020; 1000 Genomes Project 30x 0.00031.
gnomAD v4.1: 6 of 1,614,118 alleles (0.00037%); highest among the groups gnomAD compares: Admixed American, 0.005%; no homozygotes.

Submission:

Labcorp Genetics (formerly Invitae), Labcorp
Classification: Uncertain significance. Last evaluated: 2023-08-10. Review status: criteria provided, single submitter. Criteria: Invitae Variant Classification Sherloc (09022015). Collection method: clinical testing. Allele origin: germline.
Comment: Advanced modeling of protein sequence and biophysical properties (such as structural, functional, and spatial information, amino acid conservation, physicochemical variation, residue mobility, and thermodynamic stability) performed at Invitae indicates that this missense variant is not expected to disrupt TUBGCP4 protein function. In summary, the available evidence is currently insufficient to determine the role of this variant in disease. Therefore, it has been classified as a Variant of Uncertain Significance. This sequence change replaces arginine, which is basic and polar, with cysteine, which is neutral and slightly polar, at codon 54 of the TUBGCP4 protein (p.Arg54Cys). This variant is present in population databases (rs542122190, gnomAD 0.009%). This variant has not been reported in the literature in individuals affected with TUBGCP4-related conditions. ClinVar contains an entry for this variant (Variation ID: 1925893).